The following is an entry in ClinVar:

NM_138694.4(PKHD1):c.11007G>A (p.Ser3669=)

Gene: PKHD1 (PKHD1 ciliary IPT domain containing fibrocystin/polyductin; minus strand). Cytogenetic location: 6p12.3.
Variant type: single nucleotide variant.
Coding change: c.11007G>A on transcript NM_138694.4 (MANE Select); coding-DNA position 11007, G replaced by A.
Protein change: p.Ser3669=; no amino-acid change (serine 3669 retained).
Molecular consequence: synonymous variant.
Genome position (GRCh38, 1-based): chr6:51,659,119, C>T on the plus strand (G>A on the coding strand, the complement: PKHD1 is on the minus strand). VCF-style: chr6-51659119-C-T. GRCh37 (hg19) VCF-style: chr6-51523917-C-T.
Other names: p.Ser3669=.
Identifiers: ClinVar variation 287505 (VCV000287505.58), dbSNP rs142855690, ClinGen allele CA3850972.
Genomic context (GRCh38, chr6:51,659,119, plus strand): 5'-CAAATTCTGTAATTTGTTACTTGATAAGGATGAAATCATTCCAGTGCTCCTTACTGTTGG[C>T]GAATCACCAATTTCAATGACAATCACTTTTGAGATAGTTTCCACAGTCATTGGGGGTGAA-3'
Protein context (NP_619639.3, residues 3659-3679): SKVIVIEIGD[Ser3669=]PTVRSTGMIS

ClinVar aggregate classification (germline): Conflicting classifications of pathogenicity. Review status: criteria provided, conflicting classifications (1 of 4 stars). 10 submissions from 10 submitters: Uncertain significance (2); Likely benign (7). 1 of the submissions does not count toward it. Last evaluated 2026-01-14.

Conditions:
Polycystic kidney disease 4 (PKD4). Also called: POLYCYSTIC KIDNEY DISEASE 4 WITH OR WITHOUT POLYCYSTIC LIVER DISEASE; PKD3; Autosomal Recessive Polycystic Kidney Disease – PKHD1; POLYCYSTIC KIDNEY AND HEPATIC DISEASE 1; POLYCYSTIC KIDNEY DISEASE, INFANTILE, TYPE I. Identifiers: MedGen C4540575, MONDO:0033004, OMIM 263200.
Autosomal recessive polycystic kidney disease (ARPKD). Also called: AR polycystic kidney disease. Identifiers: Orphanet 731, Orphanet 8378, MedGen C0085548, MeSH D017044, MONDO:0009889.

Allele frequency attached by ClinVar (database versions not stated): gnomAD 0.00007 and 0.00008; ExAC 0.00008; gnomAD exomes 0.00008 and 0.00010; TOPMed 0.00011; ESP Exome Variant Server 0.00015; 1000 Genomes Project 30x 0.00016; 1000 Genomes Project 0.00020.
gnomAD v4.1: 161 of 1,613,794 alleles (0.01%); highest among the groups gnomAD compares: Middle Eastern, 0.38%; no homozygotes.

Submissions (10):

Labcorp Genetics (formerly Invitae), Labcorp
Classification: Likely benign for Autosomal recessive polycystic kidney disease. Last evaluated: 2026-01-14. Review status: criteria provided, single submitter. Criteria: Invitae Variant Classification Sherloc (09022015). Collection method: clinical testing. Allele origin: germline.

Mayo Clinic Laboratories, Mayo Clinic
Classification: Likely benign. Last evaluated: 2025-02-25. Review status: criteria provided, single submitter. Criteria: ACMG Guidelines, 2015. Collection method: clinical testing. Allele origin: germline. Observed: 1 variant allele.
Comment: BP4, BP7, PM2_supporting

Blueprint Genetics
Classification: Likely benign. Last evaluated: 2023-12-29. Review status: criteria provided, single submitter. Criteria: ACMG Guidelines, 2015. Collection method: clinical testing. Allele origin: germline.

CeGaT Center for Human Genetics Tuebingen
Classification: Likely benign. Last evaluated: 2022-05-01. Review status: criteria provided, single submitter. Criteria: CeGaT Center For Human Genetics Tuebingen Variant Classification Criteria Version 2. Collection method: clinical testing. Allele origin: germline. Affected: yes. Observed: 1 variant allele.
Comment: PKHD1: BP4, BP7

Genome-Nilou Lab
Classification: Likely benign for Polycystic kidney disease 4. Last evaluated: 2021-05-18. Review status: criteria provided, single submitter. Criteria: ACMG Guidelines, 2015. Collection method: clinical testing. Allele origin: germline. Affected: no.

Department of Pathology and Laboratory Medicine, Sinai Health System
Classification: Likely benign for Polycystic kidney disease 4. Last evaluated: 2019-12-03. Review status: criteria provided, single submitter. Criteria: ACMG Guidelines, 2015. Collection method: clinical testing. Allele origin: germline. Affected: no.

Women's Health and Genetics/Laboratory Corporation of America, LabCorp
Classification: Likely benign. Last evaluated: 2019-06-27. Review status: criteria provided, single submitter. Criteria: LabCorp Variant Classification Summary - May 2015. Collection method: clinical testing. Allele origin: germline.

Illumina Laboratory Services, Illumina
Classification: Uncertain significance for Polycystic kidney disease 4. Last evaluated: 2018-01-12. Review status: criteria provided, single submitter. Criteria: ICSL Variant Classification Criteria 13 December 2019. Collection method: clinical testing. Allele origin: germline.

Eurofins Ntd Llc (ga)
Classification: Uncertain significance. Last evaluated: 2016-04-13. Review status: criteria provided, single submitter. Criteria: EGL Classification Definitions 2015. Collection method: clinical testing. Allele origin: germline. Observed: 1 variant allele, 1 heterozygote.

Natera, Inc.
Classification: Likely benign for Autosomal recessive polycystic kidney disease. Last evaluated: 2020-05-01. Review status: no assertion criteria provided. Collection method: clinical testing. Allele origin: germline. Not counted in ClinVar's aggregate classification.